The following is an entry in ClinVar:

NM_001130144.3(LTBP3):c.2614C>G (p.Gln872Glu)

Gene: LTBP3 (latent transforming growth factor beta binding protein 3; minus strand). Cytogenetic location: 11q13.1.
Variant type: single nucleotide variant.
Coding change: c.2614C>G on transcript NM_001130144.3 (MANE Select); coding-DNA position 2614, C replaced by G.
Protein change: p.Gln872Glu; replaces glutamine 872 with glutamic acid.
Molecular consequence: missense variant.
Genome position (GRCh38, 1-based): chr11:65,541,711, G>C on the plus strand (C>G on the coding strand, the complement: LTBP3 is on the minus strand). VCF-style: chr11-65541711-G-C. GRCh37 (hg19) VCF-style: chr11-65309182-G-C.
Other names: c.2263C>G, p.Gln755Glu (NM_001164266.1); c.2614C>G, p.Gln872Glu (NM_021070.4); short protein forms Q872E, Q755E.
Identifiers: ClinVar variation 3692322 (VCV003692322.2).

ClinVar aggregate classification (germline): Uncertain significance (1 of 4 stars; one submission).

Conditions:
Brachyolmia-amelogenesis imperfecta syndrome. Also called: PLATYSPONDYLY WITH AMELOGENESIS IMPERFECTA; Tooth agenesis, selective, 6; Dental anomalies and short stature. Identifiers: Orphanet 2899, MedGen C1832594, MONDO:0011018, OMIM 601216. Disease mechanism: loss of function.

Submission:

Labcorp Genetics (formerly Invitae), Labcorp
Classification: Uncertain significance for Brachyolmia-amelogenesis imperfecta syndrome. Last evaluated: 2024-06-18. Review status: criteria provided, single submitter. Criteria: Invitae Variant Classification Sherloc (09022015). Collection method: clinical testing. Allele origin: germline.
Comment: This sequence change replaces glutamine, which is neutral and polar, with glutamic acid, which is acidic and polar, at codon 872 of the LTBP3 protein (p.Gln872Glu). This variant is not present in population databases (gnomAD no frequency). This variant has not been reported in the literature in individuals affected with LTBP3-related conditions. An algorithm developed to predict the effect of missense changes on protein structure and function (PolyPhen-2) suggests that this variant is likely to be tolerated. In summary, the available evidence is currently insufficient to determine the role of this variant in disease. Therefore, it has been classified as a Variant of Uncertain Significance.